The following is an entry in ClinVar:

NM_001242882.2(NAXD):c.940G>A (p.Asp314Asn)

Gene: NAXD (NAD(P)HX dehydratase; plus strand). Cytogenetic location: 13q34.
Variant type: single nucleotide variant.
Coding change: c.940G>A on transcript NM_001242882.2 (MANE Select); coding-DNA position 940, G replaced by A.
Protein change: p.Asp314Asn; replaces aspartic acid 314 with asparagine.
Molecular consequence: missense variant. On other transcripts: non-coding transcript variant (2).
Genome position (GRCh38, 1-based): chr13:110,638,478, G>A. VCF-style: chr13-110638478-G-A. GRCh37 (hg19) VCF-style: chr13-111290825-G-A.
Other names: c.994G>A, p.Asp332Asn (NM_001242881.2); c.664G>A, p.Asp222Asn (NM_001242883.2); c.1130G>A, p.Arg377Gln (NM_018210.4); short protein forms D222N, D332N, R377Q, D314N.
Identifiers: ClinVar variation 1910183 (VCV001910183.5), dbSNP rs761316228, ClinGen allele CA7051460.

ClinVar aggregate classification (germline): Uncertain significance (1 of 4 stars; one submission).

Allele frequency attached by ClinVar (database versions not stated): gnomAD exomes 0.00001; TOPMed 0.00001; gnomAD 0.00004; ExAC 0.00006.
gnomAD v4.1: 21 of 1,613,058 alleles (0.0013%); highest among the groups gnomAD compares: East Asian, 0.027%; no homozygotes.

Submission:

Labcorp Genetics (formerly Invitae), Labcorp
Classification: Uncertain significance. Last evaluated: 2022-05-03. Review status: criteria provided, single submitter. Criteria: Invitae Variant Classification Sherloc (09022015). Collection method: clinical testing. Allele origin: germline.
Comment: In summary, the available evidence is currently insufficient to determine the role of this variant in disease. Therefore, it has been classified as a Variant of Uncertain Significance. Algorithms developed to predict the effect of missense changes on protein structure and function are either unavailable or do not agree on the potential impact of this missense change (SIFT: "Tolerated"; PolyPhen-2: "Not Available"; Align-GVGD: "Class C0"). This variant has not been reported in the literature in individuals affected with NAXD-related conditions. This variant is present in population databases (rs761316228, gnomAD 0.07%). This sequence change replaces arginine, which is basic and polar, with glutamine, which is neutral and polar, at codon 377 of the NAXD protein (p.Arg377Gln).